The following is an entry in ClinVar:

NM_003482.4(KMT2D):c.2040_2093del (p.Ala686_Glu703del)

Gene: KMT2D (lysine methyltransferase 2D; minus strand). Cytogenetic location: 12q13.12.
Variant type: Deletion.
Coding change: c.2040_2093del on transcript NM_003482.4 (MANE Select); coding-DNA positions 2040 to 2093, 54 bases deleted.
Protein change: p.Ala686_Glu703del.
Genome position (GRCh38, 1-based): chr12:49,051,590-49,051,643, 54 bases deleted. GRCh37 (hg19): chr12:49,445,378-49,445,431.
Identifiers: ClinVar variation 3697542 (VCV003697542.2).

ClinVar aggregate classification (germline): Uncertain significance (1 of 4 stars; one submission).

Conditions:
Kabuki syndrome. Also called: NIIKAWA-KUROKI SYNDROME; Kabuki make-up syndrome. Identifiers: Orphanet 2322, MedGen C0796004, MONDO:0016512.

Submission:

Labcorp Genetics (formerly Invitae), Labcorp
Classification: Uncertain significance for Kabuki syndrome. Last evaluated: 2024-03-28. Review status: criteria provided, single submitter. Criteria: Invitae Variant Classification Sherloc (09022015). Collection method: clinical testing. Allele origin: germline.
Comment: This variant, c.2040_2093del, results in the deletion of 18 amino acid(s) of the KMT2D protein (p.Ala686_Glu703del), but otherwise preserves the integrity of the reading frame. This variant is not present in population databases (gnomAD no frequency). This variant has not been reported in the literature in individuals affected with KMT2D-related conditions. This variant has been observed in at least one individual who was not affected with KMT2D-related conditions (Invitae). Experimental studies and prediction algorithms are not available or were not evaluated, and the functional significance of this variant is currently unknown. In summary, the available evidence is currently insufficient to determine the role of this variant in disease. Therefore, it has been classified as a Variant of Uncertain Significance.